The following is an entry in ClinVar:

NM_002430.3(MN1):c.569G>A (p.Cys190Tyr)

Gene: MN1 (MN1 proto-oncogene, transcriptional regulator; minus strand). Cytogenetic location: 22q12.1.
Variant type: single nucleotide variant.
Coding change: c.569G>A on transcript NM_002430.3 (MANE Select); coding-DNA position 569, G replaced by A.
Protein change: p.Cys190Tyr; replaces cysteine 190 with tyrosine.
Molecular consequence: missense variant.
Genome position (GRCh38, 1-based): chr22:27,799,975, C>T on the plus strand (G>A on the coding strand, the complement: MN1 is on the minus strand). VCF-style: chr22-27799975-C-T. GRCh37 (hg19) VCF-style: chr22-28195963-C-T.
Other names: short protein forms C190Y.
Identifiers: ClinVar variation 1703192 (VCV001703192.3), dbSNP rs2517774247, ClinGen allele CA411050987.
Genomic context (GRCh38, chr22:27,799,975, plus strand): 5'-CTGGAGGACGGCAGGCCGTGGAAGGAGGCGGCTCGGTTAGGGCTCTGGTCCAGCGGCAGG[C>T]ATGGGGCCGGCACGGCGTGGCTGGAGGCACCTGAACTGTGGAAGTCCGGGAGGTTCCCCG-3'
Protein context (NP_002421.3, residues 180-200): GASSHAVPAP[Cys190Tyr]LPLDQSPNRA

ClinVar aggregate classification (germline): Uncertain significance (1 of 4 stars; one submission).

Submission:

Greenwood Genetic Center Diagnostic Laboratories, Greenwood Genetic Center
Classification: Uncertain significance. Last evaluated: 2022-05-09. Review status: criteria provided, single submitter. Criteria: ACMG Guidelines, 2015. Collection method: clinical testing. Allele origin: germline. Affected: yes.
Comment: PM2